The following is an entry in ClinVar:

NM_001497.4(B4GALT1):c.989G>A (p.Arg330His)

Gene: B4GALT1 (beta-1,4-galactosyltransferase 1; minus strand). Cytogenetic location: 9p21.1.
Variant type: single nucleotide variant.
Coding change: c.989G>A on transcript NM_001497.4 (MANE Select); coding-DNA position 989, G replaced by A.
Protein change: p.Arg330His; replaces arginine 330 with histidine.
Molecular consequence: missense variant. On other transcripts: intron variant (1).
Genome position (GRCh38, 1-based): chr9:33,113,849, C>T on the plus strand (G>A on the coding strand, the complement: B4GALT1 is on the minus strand). VCF-style: chr9-33113849-C-T. GRCh37 (hg19) VCF-style: chr9-33113847-C-T.
Other names: c.950G>A, p.Arg317His (NM_001378495.1); c.866G>A, p.Arg289His (NM_001378496.1); c.649-9068G>A (NM_001378497.1); short protein forms R289H, R317H, R330H.
Identifiers: ClinVar variation 4773204 (VCV004773204.1).

ClinVar aggregate classification (germline): Uncertain significance (1 of 4 stars; one submission).

Submission:

Labcorp Genetics (formerly Invitae), Labcorp
Classification: Uncertain significance. Last evaluated: 2025-12-24. Review status: criteria provided, single submitter. Criteria: Invitae Variant Classification Sherloc (09022015). Collection method: clinical testing. Allele origin: germline.
Comment: This sequence change replaces arginine, which is basic and polar, with histidine, which is basic and polar, at codon 330 of the B4GALT1 protein (p.Arg330His). This variant is present in population databases (no rsID available, gnomAD 0.0009%). This variant has not been reported in the literature in individuals affected with B4GALT1-related conditions. Invitae Evidence Modeling of protein sequence and biophysical properties (such as structural, functional, and spatial information, amino acid conservation, physicochemical variation, residue mobility, and thermodynamic stability) indicates that this missense variant is expected to disrupt B4GALT1 protein function with a positive predictive value of 80%. In summary, the available evidence is currently insufficient to determine the role of this variant in disease. Therefore, it has been classified as a Variant of Uncertain Significance.